The following is an entry in ClinVar:

ClinVar aggregate classification (germline): Conflicting classifications of pathogenicity. Review status: criteria provided, conflicting classifications (1 of 4 stars). 5 submissions from 5 submitters: Uncertain significance (1); Benign (1); Likely benign (2). 1 of the submissions does not count toward it. Last evaluated 2025-12-04.

Conditions:
ABCC2-related disorder. Also called: ABCC2-related condition.
Dubin-Johnson syndrome (DJS). Also called: HYPERBILIRUBINEMIA, DUBIN-JOHNSON TYPE; Jaundice, Chronic Idiopathic; Hyperbilirubinemia type 2. Identifiers: Orphanet 234, MedGen C0022350, MONDO:0009380, OMIM 237500.

Allele frequency attached by ClinVar (database versions not stated): gnomAD exomes 0.00010 and 0.00033; ExAC 0.00041; 1000 Genomes Project 0.00060; 1000 Genomes Project 30x 0.00078; ESP Exome Variant Server 0.00131; gnomAD 0.00139 and 0.00155; TOPMed 0.00161.

Submissions (5):

Labcorp Genetics (formerly Invitae), Labcorp
Classification: Benign. Last evaluated: 2025-12-04. Review status: criteria provided, single submitter. Criteria: Invitae Variant Classification Sherloc (09022015). Collection method: clinical testing. Allele origin: germline.

CeGaT Center for Human Genetics Tuebingen
Classification: Likely benign. Last evaluated: 2018-07-01. Review status: criteria provided, single submitter. Criteria: CeGaT Center For Human Genetics Tuebingen Variant Classification Criteria Version 2. Collection method: clinical testing. Allele origin: germline. Affected: yes. Observed: 2 variant alleles.

Illumina Laboratory Services, Illumina
Classification: Uncertain significance for Dubin-Johnson syndrome. Last evaluated: 2017-04-27. Review status: criteria provided, single submitter. Criteria: ICSL Variant Classification Criteria 13 December 2019. Collection method: clinical testing. Allele origin: germline.

Eurofins Ntd Llc (ga)
Classification: Likely benign. Last evaluated: 2015-08-13. Review status: criteria provided, single submitter. Criteria: EGL Classification Definitions 2015. Collection method: clinical testing. Allele origin: germline. Observed: 1 variant allele, 1 heterozygote.

PreventionGenetics, part of Exact Sciences
Classification: Likely benign for ABCC2-related condition. Last evaluated: 2021-03-29. Review status: no assertion criteria provided. Collection method: clinical testing. Allele origin: germline. Not counted in ClinVar's aggregate classification.
Comment: This variant is classified as likely benign based on ACMG/AMP sequence variant interpretation guidelines (Richards et al. 2015 PMID: 25741868, with internal and published modifications).

NM_000392.5(ABCC2):c.2073C>A (p.Val691=)

Gene: ABCC2 (ATP binding cassette subfamily C member 2; plus strand). Cytogenetic location: 10q24.2.
Variant type: single nucleotide variant.
Coding change: c.2073C>A on transcript NM_000392.5 (MANE Select); coding-DNA position 2073, C replaced by A.
Protein change: p.Val691=; no amino-acid change (valine 691 retained).
Molecular consequence: synonymous variant.
Genome position (GRCh38, 1-based): chr10:99,813,123, C>A. VCF-style: chr10-99813123-C-A. GRCh37 (hg19) VCF-style: chr10-101572880-C-A.
Other names: c.2073C>A, p.Val691= (LRG_1208t1).
Identifiers: ClinVar variation 282328 (VCV000282328.58), dbSNP rs17222624, ClinGen allele CA5643379.
Genomic context (GRCh38, chr10:99,813,123, plus strand): 5'-CCCTGTCGGCTCTGGGAAATCCTCCTTGATATCAGCCATGCTGGGAGAAATGGAAAATGT[C>A]CACGGGCACATCACCATCAAGGTGAGAGGGAATGCCAATGCAAAAGCCTCTGACTCCCGA-3'
Protein context (NP_000383.2, residues 681-701): ISAMLGEMEN[Val691=]HGHITIKGTT